The following is an entry in ClinVar:

ClinVar aggregate classification (germline): Benign/Likely benign. Review status: criteria provided, multiple submitters, no conflicts (2 of 4 stars). 10 submissions from 6 submitters: Benign (2); Likely benign (8). Last evaluated 2026-02-01.

Conditions:
GLUT1 deficiency syndrome 1, autosomal recessive. Identifiers: MedGen C3149117.
Epilepsy, idiopathic generalized, susceptibility to, 12 (EIG12). Identifiers: MedGen C3553859, MONDO:0013919, OMIM 614847.
Dystonia 9 (DYT9). Also called: CHOREOATHETOSIS, KINESIGENIC, WITH EPISODIC ATAXIA AND SPASTICITY. Identifiers: Orphanet 53583, MedGen C1832855, MONDO:0010983, OMIM 601042.
Childhood onset GLUT1 deficiency syndrome 2. Also called: GLUT1 deficiency syndrome 2; Paroxysmal exercise-induced dystonia; PAROXYSMAL EXERCISE-INDUCED DYSKINESIA WITH OR WITHOUT EPILEPSY AND/OR HEMOLYTIC ANEMIA; PAROXYSMAL EXERTION-INDUCED DYSTONIA WITH OR WITHOUT EPILEPSY AND/OR HEMOLYTIC ANEMIA; PED WITH OR WITHOUT EPILEPSY AND/OR HEMOLYTIC ANEMIA; PxMD-SLC2A1. Identifiers: Orphanet 98811, MedGen C1842534, MONDO:0012805, OMIM 612126.
Encephalopathy due to GLUT1 deficiency. Also called: GLUT1 deficiency syndrome 1, infantile onset, severe; De Vivo disease; GLUT1 deficiency syndrome 1; Glucose transporter protein syndrome; Classic Glucose Transporter Type 1 Deficiency Syndrome; GLUCOSE TRANSPORT DEFECT, BLOOD-BRAIN BARRIER. Identifiers: Orphanet 71277, MedGen C4551966, MONDO:0011724, OMIM 606777.
Hereditary cryohydrocytosis with reduced stomatin. Also called: GLUT1 DEFICIENCY SYNDROME WITH PSEUDOHYPERKALEMIA AND HEMOLYSIS; Stomatin-deficient cryohydrocytosis with neurologic defects. Identifiers: Orphanet 168577, MedGen C1837206, MONDO:0012143, OMIM 608885.

Allele frequency attached by ClinVar (database versions not stated): gnomAD 0.00001 and 0.00005; TOPMed 0.00002; ESP Exome Variant Server 0.00008; gnomAD exomes 0.00019 and 0.00037; ExAC 0.00042.
gnomAD v4.1: 274 of 1,613,920 alleles (0.017%); highest among the groups gnomAD compares: South Asian, 0.26%; 1 homozygote.

Submissions (10):

CeGaT Center for Human Genetics Tuebingen
Classification: Likely benign. Last evaluated: 2026-02-01. Review status: criteria provided, single submitter. Criteria: CeGaT Center For Human Genetics Tuebingen Variant Classification Criteria Version 2. Collection method: clinical testing. Allele origin: germline. Affected: yes. Observed: 3 variant alleles.
Comment: SLC2A1: BP4, BP7

Labcorp Genetics (formerly Invitae), Labcorp
Classification: Benign for GLUT1 deficiency syndrome 1, autosomal recessive. Last evaluated: 2025-06-23. Review status: criteria provided, single submitter. Criteria: Invitae Variant Classification Sherloc (09022015). Collection method: clinical testing. Allele origin: germline.

Mayo Clinic Laboratories, Mayo Clinic
Classification: Likely benign. Last evaluated: 2024-09-25. Review status: criteria provided, single submitter. Criteria: ACMG Guidelines, 2015. Collection method: clinical testing. Allele origin: germline. Observed: 3 variant alleles.
Comment: BP4, BP7

Blueprint Genetics
Classification: Likely benign. Last evaluated: 2024-05-24. Review status: criteria provided, single submitter. Criteria: ACMG Guidelines, 2015. Collection method: clinical testing. Allele origin: germline.

Genome-Nilou Lab
Classification: Likely benign for Epilepsy, idiopathic generalized, susceptibility to, 12. Last evaluated: 2023-04-11. Review status: criteria provided, single submitter. Criteria: ACMG Guidelines, 2015. Collection method: clinical testing. Allele origin: germline. Affected: no.

Genome-Nilou Lab
Classification: Likely benign for Dystonia 9. Last evaluated: 2023-04-11. Review status: criteria provided, single submitter. Criteria: ACMG Guidelines, 2015. Collection method: clinical testing. Allele origin: germline. Affected: no.

Genome-Nilou Lab
Classification: Likely benign for Encephalopathy due to GLUT1 deficiency. Last evaluated: 2023-04-11. Review status: criteria provided, single submitter. Criteria: ACMG Guidelines, 2015. Collection method: clinical testing. Allele origin: germline. Affected: no.

Genome-Nilou Lab
Classification: Likely benign for Childhood onset GLUT1 deficiency syndrome 2. Last evaluated: 2023-04-11. Review status: criteria provided, single submitter. Criteria: ACMG Guidelines, 2015. Collection method: clinical testing. Allele origin: germline. Affected: no.

Genome-Nilou Lab
Classification: Likely benign for Hereditary cryohydrocytosis with reduced stomatin. Last evaluated: 2023-04-11. Review status: criteria provided, single submitter. Criteria: ACMG Guidelines, 2015. Collection method: clinical testing. Allele origin: germline. Affected: no.

GeneDx
Classification: Benign. Last evaluated: 2015-09-17. Review status: criteria provided, single submitter. Criteria: GeneDx Variant Classification (06012015). Collection method: clinical testing. Allele origin: germline. Affected: yes.
Comment: This variant is considered likely benign or benign based on one or more of the following criteria: it is a conservative change, it occurs at a poorly conserved position in the protein, it is predicted to be benign by multiple in silico algorithms, and/or has population frequency not consistent with disease.

NM_006516.4(SLC2A1):c.1059C>T (p.Ile353=)

Gene: SLC2A1 (solute carrier family 2 member 1; minus strand). Cytogenetic location: 1p34.2.
Variant type: single nucleotide variant.
Coding change: c.1059C>T on transcript NM_006516.4 (MANE Select); coding-DNA position 1059, C replaced by T.
Protein change: p.Ile353=; no amino-acid change (isoleucine 353 retained).
Molecular consequence: synonymous variant.
Genome position (GRCh38, 1-based): chr1:42,928,947, G>A on the plus strand (C>T on the coding strand, the complement: SLC2A1 is on the minus strand). VCF-style: chr1-42928947-G-A. GRCh37 (hg19) VCF-style: chr1-43394618-G-A.
Other names: p.Ile353=; c.1059C>T (NM_006516.3).
Identifiers: ClinVar variation 379532 (VCV000379532.37), dbSNP rs372092107, ClinGen allele CA803362.